The following is an entry in ClinVar:

ClinVar aggregate classification (germline): Pathogenic (1 of 4 stars; one submission).

Submission:

Labcorp Genetics (formerly Invitae), Labcorp
Classification: Pathogenic. Last evaluated: 2024-10-30. Review status: criteria provided, single submitter. Criteria: Invitae Variant Classification Sherloc (09022015). Collection method: clinical testing. Allele origin: germline.
Comment: This sequence change creates a premature translational stop signal (p.Lys119*) in the COL2A1 gene. It is expected to result in an absent or disrupted protein product. Loss-of-function variants in COL2A1 are known to be pathogenic (PMID: 20179744). This variant is not present in population databases (gnomAD no frequency). This variant has not been reported in the literature in individuals affected with COL2A1-related conditions. For these reasons, this variant has been classified as Pathogenic.

Literature cited by the submitters: PubMed 20179744.

NM_001844.5(COL2A1):c.355A>T (p.Lys119Ter)

Gene: COL2A1 (collagen type II alpha 1 chain; minus strand). Cytogenetic location: 12q13.11.
Variant type: single nucleotide variant.
Coding change: c.355A>T on transcript NM_001844.5 (MANE Select); coding-DNA position 355, A replaced by T.
Protein change: p.Lys119Ter; replaces lysine 119 with a stop codon.
Molecular consequence: nonsense.
Genome position (GRCh38, 1-based): chr12:47,998,052, T>A on the plus strand (A>T on the coding strand, the complement: COL2A1 is on the minus strand). VCF-style: chr12-47998052-T-A. GRCh37 (hg19) VCF-style: chr12-48391835-T-A.
Other names: c.148A>T, p.Lys50Ter (NM_033150.3); short protein forms K119*, K50*.
Identifiers: ClinVar variation 3668300 (VCV003668300.2).
Genomic context (GRCh38, chr12:47,998,052, plus strand): 5'-GCGAGGAAGGGACGGAGAAAGAGATTTCTCCCTCTCTTACCTGAGGCCCAGGAGGTCCTT[T>A]GGGTCCTACAATCTGTGAGAGAGAGCCCCACAGGATGGTAAGTTAGAGGAGAGCACAAGG-3'